The following is an entry in ClinVar:

ClinVar aggregate classification (germline): Uncertain significance. Review status: criteria provided, multiple submitters, no conflicts (2 of 4 stars). 2 submissions from 2 submitters: Uncertain significance (2). Last evaluated 2023-12-04.

Conditions:
Cardiomyopathy (CMYO). Also called: Cardiomyopathies. Identifiers: Orphanet 167848, MedGen C0878544, MONDO:0004994, HP:0001638. Inheritance: Various modes of inheritance.
Primary dilated cardiomyopathy (DCM). Also called: Dilated Cardiomyopathy. Identifiers: Orphanet 217604, MedGen C0007193, MeSH D002311, MONDO:0005021, HP:0001644. Inheritance: Various modes of inheritance.

Submissions (2):

Color Diagnostics, LLC DBA Color Health
Classification: Uncertain significance for Cardiomyopathy. Last evaluated: 2023-12-04. Review status: criteria provided, single submitter. Criteria: ACMG Guidelines, 2015. Collection method: clinical testing. Allele origin: germline.
Comment: Variant of Uncertain Significance due to insufficient evidence: This missense variant is located in the actin binding domain of the lamin A protein. Computational prediction tools and conservation analyses are inconclusive regarding the impact of this variant on the protein function. Computational splicing tools suggest that this variant may not impact RNA splicing. To our knowledge, functional assays have not been performed for this variant nor has this variant been reported in individuals affected with cardiovascular disorders in the literature. This variant is rare in the general population and has been identified in 0/277264 chromosomes by the Genome Aggregation Database (gnomAD). Available evidence is insufficient to determine the pathogenicity of this variant conclusively.

All of Us Research Program, National Institutes of Health
Classification: Uncertain significance for Primary dilated cardiomyopathy. Last evaluated: 2023-08-15. Review status: criteria provided, single submitter. Criteria: ACMG Guidelines, 2015. Collection method: clinical testing. Allele origin: germline. Inheritance: Autosomal dominant inheritance. Observed: 2 variant alleles, 2 heterozygotes.
Comment: Variant of Uncertain Significance due to insufficient evidence: This missense variant is located in the actin binding domain of the lamin A protein. Computational prediction tools and conservation analyses are inconclusive regarding the impact of this variant on the protein function. Computational splicing tools suggest that this variant may not impact RNA splicing. To our knowledge, functional assays have not been performed for this variant nor has this variant been reported in individuals affected with cardiovascular disorders in the literature. This variant is rare in the general population and has been identified in 0/277264 chromosomes by the Genome Aggregation Database (gnomAD). Available evidence is insufficient to determine the pathogenicity of this variant conclusively.

This study involves interpretation of variants in research participants for the purpose of population health screening. Participant phenotype was not available at the time of variant classification. Additional details can be found in publication PMID: 35346344, PMCID: PMC8962531

NM_170707.4(LMNA):c.1922T>G (p.Leu641Arg)

Gene: LMNA (lamin A/C; plus strand). Cytogenetic location: 1q22.
Variant type: single nucleotide variant.
Coding change: c.1922T>G on transcript NM_170707.4 (MANE Select); coding-DNA position 1922, T replaced by G.
Protein change: p.Leu641Arg; replaces leucine 641 with arginine.
Molecular consequence: missense variant. On other transcripts: intron variant (1).
Genome position (GRCh38, 1-based): chr1:156,138,711, T>G. VCF-style: chr1-156138711-T-G. GRCh37 (hg19) VCF-style: chr1-156108502-T-G.
Other names: c.1586T>G, p.Leu529Arg (NM_001257374.3); c.1832T>G, p.Leu611Arg (NM_170708.4); c.1818+104T>G (NM_001282626.2); short protein forms L611R, L641R, L529R.
Identifiers: ClinVar variation 928005 (VCV000928005.6), dbSNP rs1651878365, ClinGen allele CA342827956.